The following is an entry in ClinVar:

ClinVar aggregate classification (germline): Conflicting classifications of pathogenicity. Review status: criteria provided, conflicting classifications (1 of 4 stars). 5 submissions from 5 submitters: Uncertain significance (4); Likely benign (1). Last evaluated 2025-08-18.

Conditions:
Hereditary cancer-predisposing syndrome. Also called: Hereditary neoplastic syndrome; Hereditary Cancer Syndrome; Neoplastic Syndromes, Hereditary; Tumor predisposition. Identifiers: Orphanet 140162, MedGen C0027672, MeSH D009386, MONDO:0015356.
Multiple endocrine neoplasia, type 2 (MEN2). Identifiers: Orphanet 653, MedGen C4048306, MONDO:0019003. Disease mechanism: gain of function.

Allele frequency attached by ClinVar (database versions not stated): gnomAD exomes below 0.00001; ExAC 0.00001; TOPMed 0.00001.
gnomAD v4.1: 6 of 1,612,552 alleles (0.00037%); highest among the groups gnomAD compares: Non-Finnish European, 0.00051%; no homozygotes.

Submissions (5):

Ambry Genetics
Classification: Likely benign for Hereditary cancer-predisposing syndrome. Last evaluated: 2025-08-18. Review status: criteria provided, single submitter. Criteria: Ambry Variant Classification Scheme 2023. Collection method: clinical testing. Allele origin: germline.

Labcorp Genetics (formerly Invitae), Labcorp
Classification: Uncertain significance for Multiple endocrine neoplasia, type 2. Last evaluated: 2025-07-15. Review status: criteria provided, single submitter. Criteria: Invitae Variant Classification Sherloc (09022015). Collection method: clinical testing. Allele origin: germline.
Comment: This sequence change replaces lysine, which is basic and polar, with glutamic acid, which is acidic and polar, at codon 821 of the RET protein (p.Lys821Glu). This variant is present in population databases (rs749421642, gnomAD 0.0009%). This missense change has been observed in individual(s) with clinical features of Hirschsprung’s disease (PMID: 31510104). ClinVar contains an entry for this variant (Variation ID: 229991). An algorithm developed to predict the effect of missense changes on protein structure and function (PolyPhen-2) suggests that this variant is likely to be disruptive. In summary, the available evidence is currently insufficient to determine the role of this variant in disease. Therefore, it has been classified as a Variant of Uncertain Significance.

Color Diagnostics, LLC DBA Color Health
Classification: Uncertain significance for Multiple endocrine neoplasia, type 2. Last evaluated: 2025-06-24. Review status: criteria provided, single submitter. Criteria: ACMG Guidelines, 2015. Collection method: clinical testing. Allele origin: germline.
Comment: This missense variant replaces lysine with glutamic acid at codon 821 of the RET protein. Computational prediction is inconclusive regarding the impact of this variant on protein structure and function. To our knowledge, functional studies have not been reported for this variant. This variant has not been reported as a germline mutation in individuals affected with hereditary cancer in the literature. This variant has been identified in 1/248002 chromosomes in the general population by the Genome Aggregation Database (gnomAD). The available evidence is insufficient to determine the role of this variant in disease conclusively. Therefore, this variant is classified as a Variant of Uncertain Significance.

Quest Diagnostics Nichols Institute San Juan Capistrano
Classification: Uncertain significance. Last evaluated: 2024-11-27. Review status: criteria provided, single submitter. Criteria: Quest Diagnostics criteria. Collection method: clinical testing. Allele origin: unknown.
Comment: The RET c.2461A>G (p.Lys821Glu) variant has been reported in the published literature in an individual with medullary thyroid carcinoma and two reportedly healthy relatives (PMID: 31510104 (2019)). The frequency of this variant in the general population, 0.000004 (1/248002 chromosomes (Genome Aggregation Database)), is uninformative in the assessment of its pathogenicity. Analysis of this variant using bioinformatics tools for the prediction of the effect of amino acid changes on protein structure and function yielded predictions that this variant is damaging. Based on the available information, we are unable to determine the clinical significance of this variant.

All of Us Research Program, National Institutes of Health
Classification: Uncertain significance for Multiple endocrine neoplasia, type 2. Last evaluated: 2023-08-15. Review status: criteria provided, single submitter. Criteria: ACMG Guidelines, 2015. Collection method: clinical testing. Allele origin: germline. Inheritance: Autosomal dominant inheritance. Observed: 2 variant alleles, 2 heterozygotes.
Comment: This missense variant replaces lysine with glutamic acid at codon 821 of the RET protein. Computational prediction is inconclusive regarding the impact of this variant on protein structure and function (internally defined REVEL score threshold 0.5 < inconclusive < 0.7, PMID: 27666373). To our knowledge, functional studies have not been reported for this variant. This variant has not been reported as a germline mutation in individuals affected with hereditary cancer in the literature. This variant has been identified in 1/248002 chromosomes in the general population by the Genome Aggregation Database (gnomAD). The available evidence is insufficient to determine the role of this variant in disease conclusively. Therefore, this variant is classified as a Variant of Uncertain Significance.

This study involves interpretation of variants in research participants for the purpose of population health screening. Participant phenotype was not available at the time of variant classification. Additional details can be found in publication PMID: 35346344, PMCID: PMC8962531

Literature cited by the submitters: PubMed 31510104 (cited by 3 submitters).

NM_020975.6(RET):c.2461A>G (p.Lys821Glu)

Gene: RET (ret proto-oncogene; plus strand). Cytogenetic location: 10q11.21.
Variant type: single nucleotide variant.
Coding change: c.2461A>G on transcript NM_020975.6 (MANE Select); coding-DNA position 2461, A replaced by G.
Protein change: p.Lys821Glu; replaces lysine 821 with glutamic acid.
Molecular consequence: missense variant.
Genome position (GRCh38, 1-based): chr10:43,119,599, A>G. VCF-style: chr10-43119599-A-G. GRCh37 (hg19) VCF-style: chr10-43615047-A-G.
Other names: c.2461A>G, p.Lys821Glu (NM_000323.2, NM_001406743.1, NM_001406744.1 and 4 more transcripts); c.1699A>G, p.Lys567Glu (NM_001355216.2); c.2332A>G, p.Lys778Glu (NM_001406761.1, NM_001406762.1, NM_001406764.1); c.2326A>G, p.Lys776Glu (NM_001406763.1, NM_001406765.1); c.2173A>G, p.Lys725Glu (NM_001406766.1, NM_001406767.1, NM_001406770.1); c.2197A>G, p.Lys733Glu (NM_001406768.1); c.2065A>G, p.Lys689Glu (NM_001406769.1, NM_001406772.1); c.2023A>G, p.Lys675Glu (NM_001406771.1, NM_001406773.1); and 10 more; short protein forms K821E, K567E, K338E, K477E, K482E, K522E, K579E, K426E.
Identifiers: ClinVar variation 229991 (VCV000229991.17), dbSNP rs749421642, ClinGen allele CA039364.